The following is an entry in ClinVar:

NM_018344.6(SLC29A3):c.1243C>G (p.Pro415Ala)

Gene: SLC29A3 (solute carrier family 29 member 3; plus strand). Cytogenetic location: 10q22.1.
Variant type: single nucleotide variant.
Coding change: c.1243C>G on transcript NM_018344.6 (MANE Select); coding-DNA position 1243, C replaced by G.
Protein change: p.Pro415Ala; replaces proline 415 with alanine.
Molecular consequence: missense variant. On other transcripts: 3 prime UTR variant (1), non-coding transcript variant (2).
Genome position (GRCh38, 1-based): chr10:71,362,423, C>G. VCF-style: chr10-71362423-C-G. GRCh37 (hg19) VCF-style: chr10-73122180-C-G.
Other names: c.*472C>G (NM_001174098.2); c.1009C>G, p.Pro337Ala (NM_001363518.2); short protein forms P415A, P337A.
Identifiers: ClinVar variation 1504618 (VCV001504618.7), dbSNP rs776729312, ClinGen allele CA5543164.

ClinVar aggregate classification (germline): Uncertain significance. Review status: criteria provided, multiple submitters, no conflicts (2 of 4 stars). 2 submissions from 2 submitters: Uncertain significance (2). Last evaluated 2024-01-19.

Conditions:
H syndrome. Also called: Pigmented hypertrichosis and insulin-dependent diabetes mellitus; Histiocytosis with joint contractures and sensorineural deafness; Asrar Facharzt Haque syndrome; FAISALABAD HISTIOCYTOSIS; HISTIOCYTOSIS AND LYMPHADENOPATHY WITH OR WITHOUT CUTANEOUS, CARDIAC, AND/OR ENDOCRINE FEATURES, JOINT CONTRACTURES, AND/OR DEAFNESS; HYPERPIGMENTATION, CUTANEOUS, WITH HYPERTRICHOSIS, HEPATOSPLENOMEGALY, HEART ANOMALIES, AND HYPOGONADISM WITH OR WITHOUT HEARING LOSS. Identifiers: Orphanet 168569, MedGen C1864445, MONDO:0011273, OMIM 602782.

Allele frequency attached by ClinVar (database versions not stated): ExAC 0.00001; gnomAD exomes 0.00001.

Submissions (2):

Blueprint Genetics
Classification: Uncertain significance. Last evaluated: 2024-01-19. Review status: criteria provided, single submitter. Criteria: ACMG Guidelines, 2015. Collection method: clinical testing. Allele origin: germline.

Labcorp Genetics (formerly Invitae), Labcorp
Classification: Uncertain significance for H syndrome. Last evaluated: 2022-06-20. Review status: criteria provided, single submitter. Criteria: Invitae Variant Classification Sherloc (09022015). Collection method: clinical testing. Allele origin: germline.
Comment: In summary, the available evidence is currently insufficient to determine the role of this variant in disease. Therefore, it has been classified as a Variant of Uncertain Significance. Algorithms developed to predict the effect of missense changes on protein structure and function are either unavailable or do not agree on the potential impact of this missense change (SIFT: "Tolerated"; PolyPhen-2: "Probably Damaging"; Align-GVGD: "Class C0"). This variant has not been reported in the literature in individuals affected with SLC29A3-related conditions. This variant is present in population databases (rs776729312, gnomAD 0.003%). This sequence change replaces proline, which is neutral and non-polar, with alanine, which is neutral and non-polar, at codon 415 of the SLC29A3 protein (p.Pro415Ala).